The following is an entry in ClinVar:

ClinVar aggregate classification (germline): Benign (1 of 4 stars; one submission).

Conditions:
Autosomal recessive congenital ichthyosis 6 (ARCI6). Identifiers: Orphanet 313, Orphanet 79394, MedGen C2677065, MONDO:0012847, OMIM 612281.

Allele frequency attached by ClinVar (database versions not stated): gnomAD 0.01212 and 0.01299; TOPMed 0.01338; 1000 Genomes Project 30x 0.01390; 1000 Genomes Project 0.01398.

Submission:

Illumina Laboratory Services, Illumina
Classification: Benign for Autosomal recessive congenital ichthyosis 6. Last evaluated: 2018-01-12. Review status: criteria provided, single submitter. Criteria: ICSL Variant Classification Criteria 13 December 2019. Collection method: clinical testing. Allele origin: germline.
Comment: This variant was observed in the ICSL laboratory as part of a predisposition screen in an ostensibly healthy population. It had not been previously curated by ICSL or reported in the Human Gene Mutation Database (HGMD: prior to June 1st, 2018), and was therefore a candidate for classification through an automated scoring system. Utilizing variant allele frequency, disease prevalence and penetrance estimates, and inheritance mode, an automated score was calculated to assess if this variant is too frequent to cause the disease. Based on the score and internal cut-off values, a variant classified as benign is not then subjected to further curation. The score for this variant resulted in a classification of benign for this disease.

NM_001099287.2(NIPAL4):c.*1221C>T

Gene: NIPAL4 (NIPA like domain containing 4; plus strand). Cytogenetic location: 5q33.3.
Variant type: single nucleotide variant.
Coding change: c.*1221C>T on transcript NM_001099287.2 (MANE Select); 1221 bases downstream of the stop codon, C replaced by T.
Molecular consequence: 3 prime UTR variant.
Genome position (GRCh38, 1-based): chr5:157,474,181, C>T. VCF-style: chr5-157474181-C-T. GRCh37 (hg19) VCF-style: chr5-156901189-C-T.
Other names: c.*1221C>T (NM_001172292.2).
Identifiers: ClinVar variation 352542 (VCV000352542.5), dbSNP rs78888263, ClinGen allele CA10623775.